The following is an entry in ClinVar:

NM_181882.3(PRX):c.2100C>T (p.Ala700=)

Gene: PRX (periaxin; minus strand). Cytogenetic location: 19q13.2.
Variant type: single nucleotide variant.
Coding change: c.2100C>T on transcript NM_181882.3 (MANE Select); coding-DNA position 2100, C replaced by T.
Protein change: p.Ala700=; no amino-acid change (alanine 700 retained).
Molecular consequence: synonymous variant. On other transcripts: 3 prime UTR variant (1).
Genome position (GRCh38, 1-based): chr19:40,396,252, G>A on the plus strand (C>T on the coding strand, the complement: PRX is on the minus strand). VCF-style: chr19-40396252-G-A. GRCh37 (hg19) VCF-style: chr19-40902159-G-A.
Other names: c.*2305C>T (NM_020956.2).
Identifiers: ClinVar variation 695328 (VCV000695328.13), dbSNP rs757528702, ClinGen allele CA9444124.
Genomic context (GRCh38, chr19:40,396,252, plus strand): 5'-AGGGACTTTCATTTCACAGACTTTGGGCAGCTGCACCTCTGGGAGGTGCACATCGGGCAC[G>A]GCCATTTCAGGCACCTTGGGGAGTTTCATCTCTGAGACTTTTGGCAGCTGCACCTCGGGG-3'
Protein context (NP_870998.2, residues 690-710): EMKLPKVPEM[Ala700=]VPDVHLPEVQ

ClinVar aggregate classification (germline): Likely benign. Review status: criteria provided, multiple submitters, no conflicts (2 of 4 stars). 3 submissions from 3 submitters: Likely benign (2). 1 of the submissions does not count toward it. Last evaluated 2025-06-20.

Conditions:
PRX-related disorder. Also called: PRX-related condition; PRX-Related Disorders.
Charcot-Marie-Tooth disease type 4. Also called: Charcot-Marie-Tooth disease, type IV; Charcot-Marie-Tooth, Type 4. Identifiers: Orphanet 64749, MedGen C4082197, MONDO:0018995.

Allele frequency attached by ClinVar (database versions not stated): gnomAD exomes 0.00001; ExAC 0.00002; gnomAD 0.00004.

Submissions (3):

Labcorp Genetics (formerly Invitae), Labcorp
Classification: Likely benign for Charcot-Marie-Tooth disease type 4. Last evaluated: 2025-06-20. Review status: criteria provided, single submitter. Criteria: Invitae Variant Classification Sherloc (09022015). Collection method: clinical testing. Allele origin: germline.

Athena Diagnostics
Classification: Likely benign. Last evaluated: 2024-11-22. Review status: criteria provided, single submitter. Criteria: Athena Diagnostics Criteria. Collection method: clinical testing. Allele origin: unknown.

PreventionGenetics, part of Exact Sciences
Classification: Likely benign for PRX-related condition. Last evaluated: 2022-04-15. Review status: no assertion criteria provided. Collection method: clinical testing. Allele origin: germline. Not counted in ClinVar's aggregate classification.
Comment: This variant is classified as likely benign based on ACMG/AMP sequence variant interpretation guidelines (Richards et al. 2015 PMID: 25741868, with internal and published modifications).